The following is an entry in ClinVar:

NM_007294.4(BRCA1):c.3969_3970del (p.Gln1323fs)

Genes: BRCA1 (BRCA1 DNA repair associated; minus strand), LOC126862571 (BRD4-independent group 4 enhancer GRCh37_chr17:41243136-41244335; plus strand). Cytogenetic location: 17q21.31.
Variant type: Deletion.
Coding change: c.3969_3970del on transcript NM_007294.4 (MANE Select); coding-DNA positions 3969 to 3970, 2 bases deleted (AA; older notation c.3969_3970delAA).
Protein change: p.Gln1323fs; shifts the reading frame from glutamine 1323.
Molecular consequence: frameshift variant. On other transcripts: intron variant (135).
Genome position (GRCh38, 1-based): chr17:43,091,561-43,091,562, TT deleted on the plus strand (AA on the coding strand, the reverse complement: BRCA1 is on the minus strand); deleting any 2 consecutive bases within chr17:43,091,561-43,091,563 gives the same sequence; the c. name uses the placement nearest the transcript's 3' end. VCF-style (leftmost placement, unchanged base first): chr17-43091560-ATT-A. GRCh37 (hg19) VCF-style: chr17-41243577-ATT-A.
Other names: c.3969_3970delAA (NM_007294.3); c.3585_3586del, p.Gln1195fs (NM_001407962.1); c.3588_3589del, p.Gln1196fs (NM_001407963.1, NM_001407959.1, NM_001407960.1); c.3825_3826del, p.Gln1275fs (NM_001407964.1, NM_001407740.1, NM_001407741.1 and 20 more transcripts); c.3465_3466del, p.Gln1155fs (NM_001407965.1); c.3081_3082del, p.Gln1027fs (NM_001407966.1, NM_001407967.1); c.1365_1366del, p.Gln455fs (NM_001407968.1, NM_001407969.1); c.3828_3829del, p.Gln1276fs (NM_007297.4, NM_001407692.1, NM_001407694.1 and 29 more transcripts); and 42 more; short protein forms Q1323fs, Q1276fs, Q1027fs, Q1155fs, Q1211fs, Q1234fs, Q1255fs, Q1296fs.
Identifiers: ClinVar variation 142938 (VCV000142938.7), dbSNP rs587782834, ClinGen allele CA002544.
Genomic context (GRCh38, chr17:43,091,560, plus strand): 5'-TCATCTGAAACCAATTCCTTGTCACTCAGACCAACTCCCTGGCTTTCAGACTGATGCCTC[ATT>A]TGTTTGGAAGAACCAATCAAGAAAGGATCCTGGGTGTTTGTATTTGCAGTCAAGTCTTCC-3'

ClinVar aggregate classification (germline): Pathogenic. Review status: reviewed by expert panel (3 of 4 stars). 2 submissions from 2 submitters: Pathogenic (1). 1 of the submissions does not count toward it. Last evaluated 2016-09-08.

Conditions:
Hereditary cancer-predisposing syndrome. Also called: Tumor predisposition; Hereditary neoplastic syndrome; Hereditary Cancer Syndrome; Neoplastic Syndromes, Hereditary. Identifiers: Orphanet 140162, MedGen C0027672, MeSH D009386, MONDO:0015356.
Breast-ovarian cancer, familial, susceptibility to, 1 (BROVCA1). Also called: BRCA1 Hereditary Breast and Ovarian Cancer; OVARIAN CANCER, SUSCEPTIBILITY TO. Identifiers: Orphanet 145, MedGen C2676676, MONDO:0011450, OMIM 604370. Disease mechanism: loss of function.

Submissions (2):

Evidence-based Network for the Interpretation of Germline Mutant Alleles (ENIGMA)
Classification: Pathogenic for Breast-ovarian cancer, familial, susceptibility to, 1. Last evaluated: 2016-09-08. Review status: reviewed by expert panel. Criteria: ENIGMA BRCA1/2 Classification Criteria (2015). Collection method: curation. Allele origin: germline.
Comment: Variant allele predicted to encode a truncated non-functional protein.

Ambry Genetics
Classification: Pathogenic for Hereditary cancer-predisposing syndrome. Last evaluated: 2023-08-22. Review status: criteria provided, single submitter. Criteria: Ambry Variant Classification Scheme 2023. Collection method: clinical testing. Allele origin: germline. Not counted in ClinVar's aggregate classification.
Comment: The c.3969_3970delAA pathogenic mutation, located in coding exon 9 of the BRCA1 gene, results from a deletion of two nucleotides at nucleotide positions 3969 to 3970, causing a translational frameshift with a predicted alternate stop codon (p.Q1323Hfs*6). This alteration is expected to result in loss of function by premature protein truncation or nonsense-mediated mRNA decay. As such, this alteration is interpreted as a disease-causing mutation.